The following is an entry in ClinVar:

NM_177438.3(DICER1):c.380T>G (p.Leu127Arg)

Gene: DICER1 (dicer 1, ribonuclease III; minus strand). Cytogenetic location: 14q32.13.
Variant type: single nucleotide variant.
Coding change: c.380T>G on transcript NM_177438.3 (MANE Select); coding-DNA position 380, T replaced by G.
Protein change: p.Leu127Arg; replaces leucine 127 with arginine.
Molecular consequence: missense variant. On other transcripts: 5 prime UTR variant (2), non-coding transcript variant (5), intron variant (6).
Genome position (GRCh38, 1-based): chr14:95,131,567, A>C on the plus strand (T>G on the coding strand, the complement: DICER1 is on the minus strand). VCF-style: chr14-95131567-A-C. GRCh37 (hg19) VCF-style: chr14-95597904-A-C.
Other names: c.380T>G, p.Leu127Arg (NM_001195573.1, NM_001271282.3, NM_001291628.2 and 15 more transcripts); c.98T>G, p.Leu33Arg (NM_001395686.1); c.-79T>G (NM_001395691.1); c.-1189T>G (NM_001395697.1); c.33+948T>G (NM_001395690.1, NM_001395687.1, NM_001395689.1 and 3 more transcripts); short protein forms L127R, L33R.
Identifiers: ClinVar variation 1717227 (VCV001717227.7), dbSNP rs2543341011, ClinGen allele CA390889062.

ClinVar aggregate classification (germline): Uncertain significance. Review status: criteria provided, multiple submitters, no conflicts (2 of 4 stars). 2 submissions from 2 submitters: Uncertain significance (2). Last evaluated 2025-02-08.

Conditions:
DICER1-related tumor predisposition. Also called: DICER1 syndrome; DICER1-related pleuropulmonary blastoma cancer predisposition syndrome. Identifiers: Orphanet 284343, MedGen C3839822, MONDO:0100216.
Hereditary cancer-predisposing syndrome. Also called: Hereditary neoplastic syndrome; Tumor predisposition; Neoplastic Syndromes, Hereditary; Hereditary Cancer Syndrome. Identifiers: Orphanet 140162, MedGen C0027672, MeSH D009386, MONDO:0015356.

Submissions (2):

Ambry Genetics
Classification: Uncertain significance for Hereditary cancer-predisposing syndrome. Last evaluated: 2025-02-08. Review status: criteria provided, single submitter. Criteria: Ambry Variant Classification Scheme 2023. Collection method: clinical testing. Allele origin: germline.
Comment: The p.L127R variant (also known as c.380T>G), located in coding exon 3 of the DICER1 gene, results from a T to G substitution at nucleotide position 380. The leucine at codon 127 is replaced by arginine, an amino acid with dissimilar properties. This amino acid position is conserved. In addition, this alteration is predicted to be tolerated by in silico analysis. Based on the available evidence, the clinical significance of this variant remains unclear.

Labcorp Genetics (formerly Invitae), Labcorp
Classification: Uncertain significance for DICER1-related tumor predisposition. Last evaluated: 2024-07-09. Review status: criteria provided, single submitter. Criteria: Invitae Variant Classification Sherloc (09022015). Collection method: clinical testing. Allele origin: germline.
Comment: This sequence change replaces leucine, which is neutral and non-polar, with arginine, which is basic and polar, at codon 127 of the DICER1 protein (p.Leu127Arg). This variant is not present in population databases (gnomAD no frequency). This variant has not been reported in the literature in individuals affected with DICER1-related conditions. ClinVar contains an entry for this variant (Variation ID: 1717227). Advanced modeling of protein sequence and biophysical properties (such as structural, functional, and spatial information, amino acid conservation, physicochemical variation, residue mobility, and thermodynamic stability) performed at Invitae indicates that this missense variant is not expected to disrupt DICER1 protein function with a negative predictive value of 80%. In summary, the available evidence is currently insufficient to determine the role of this variant in disease. Therefore, it has been classified as a Variant of Uncertain Significance.